The following is an entry in ClinVar:

NM_024675.4(PALB2):c.1830A>G (p.Thr610=)

Gene: PALB2 (partner and localizer of BRCA2; minus strand). Cytogenetic location: 16p12.2.
Variant type: single nucleotide variant.
Coding change: c.1830A>G on transcript NM_024675.4 (MANE Select); coding-DNA position 1830, A replaced by G.
Protein change: p.Thr610=; no amino-acid change (threonine 610 retained).
Molecular consequence: synonymous variant.
Genome position (GRCh38, 1-based): chr16:23,630,324, T>C on the plus strand (A>G on the coding strand, the complement: PALB2 is on the minus strand). VCF-style: chr16-23630324-T-C. GRCh37 (hg19) VCF-style: chr16-23641645-T-C.
Identifiers: ClinVar variation 231998 (VCV000231998.19), dbSNP rs876659484, ClinGen allele CA10579995.

ClinVar aggregate classification (germline): Benign/Likely benign. Review status: criteria provided, multiple submitters, no conflicts (2 of 4 stars). 5 submissions from 5 submitters: Benign (1); Likely benign (4). Last evaluated 2025-01-14.

Conditions:
Hereditary cancer-predisposing syndrome. Also called: Neoplastic Syndromes, Hereditary; Tumor predisposition; Hereditary Cancer Syndrome; Hereditary neoplastic syndrome. Identifiers: Orphanet 140162, MedGen C0027672, MeSH D009386, MONDO:0015356.
Familial cancer of breast. Also called: BREAST CANCER, FAMILIAL; hereditary breast carcinoma; Hereditary breast cancer. Identifiers: Orphanet 227535, MedGen C0346153, MONDO:0016419, OMIM 114480. Disease mechanism: loss of function.

Allele frequency attached by ClinVar (database versions not stated): gnomAD exomes 0.00001.
gnomAD v4.1: 6 of 1,614,220 alleles (0.00037%); highest among the groups gnomAD compares: Non-Finnish European, 0.00051%; no homozygotes.

Submissions (5):

Myriad Genetics, Inc.
Classification: Benign for Familial cancer of breast. Last evaluated: 2025-01-14. Review status: criteria provided, single submitter. Criteria: Myriad Autosomal Dominant, Autosomal Recessive and X-Linked Classification Criteria (2023). Collection method: clinical testing. Allele origin: unknown.
Comment: This variant is considered benign. This variant is a silent/synonymous amino acid change and it is not expected to impact splicing.

Labcorp Genetics (formerly Invitae), Labcorp
Classification: Likely benign for Familial cancer of breast. Last evaluated: 2024-09-17. Review status: criteria provided, single submitter. Criteria: Invitae Variant Classification Sherloc (09022015). Collection method: clinical testing. Allele origin: germline.

Women's Health and Genetics/Laboratory Corporation of America, LabCorp
Classification: Likely benign. Last evaluated: 2020-01-31. Review status: criteria provided, single submitter. Criteria: LabCorp Variant Classification Summary - May 2015. Collection method: clinical testing. Allele origin: germline.

Color Diagnostics, LLC DBA Color Health
Classification: Likely benign for Hereditary cancer-predisposing syndrome. Last evaluated: 2019-03-19. Review status: criteria provided, single submitter. Criteria: ACMG Guidelines, 2015. Collection method: clinical testing. Allele origin: germline.

Ambry Genetics
Classification: Likely benign for Hereditary cancer-predisposing syndrome. Last evaluated: 2015-06-05. Review status: criteria provided, single submitter. Criteria: Ambry Variant Classification Scheme 2023. Collection method: clinical testing. Allele origin: germline.